The following is an entry in ClinVar:

NM_030943.4(AMN):c.108G>C (p.Trp36Cys)

Gene: AMN (amnion associated transmembrane protein; plus strand). Cytogenetic location: 14q32.32.
Variant type: single nucleotide variant.
Coding change: c.108G>C on transcript NM_030943.4 (MANE Select); coding-DNA position 108, G replaced by C.
Protein change: p.Trp36Cys; replaces tryptophan 36 with cysteine.
Molecular consequence: missense variant.
Genome position (GRCh38, 1-based): chr14:102,923,775, G>C. VCF-style: chr14-102923775-G-C. GRCh37 (hg19) VCF-style: chr14-103390112-G-C.
Other names: short protein forms W36C.
Identifiers: ClinVar variation 1441367 (VCV001441367.6), dbSNP rs199835580, ClinGen allele CA7359732.
Genomic context (GRCh38, chr14:102,923,775, plus strand): 5'-GACCCAGGCGGTCTCCAAACTCTGGGTCCCCAACACGGACTTCGACGTCGCAGCCAACTG[G>C]AGCCAGAACCGGACCCCGTGCGCCGGCGGCGCCGTTGAGTTCCCGGCGGACAAGGTGCCT-3'
Protein context (NP_112205.2, residues 26-46): PNTDFDVAAN[Trp36Cys]SQNRTPCAGG

ClinVar aggregate classification (germline): Uncertain significance. Review status: criteria provided, multiple submitters, no conflicts (2 of 4 stars). 2 submissions from 2 submitters: Uncertain significance (2). Last evaluated 2025-09-15.

Conditions:
Imerslund-Grasbeck syndrome type 2. Also called: Megaloblastic anemia 1, Norwegian type; MEGALOBLASTIC ANEMIA, NORWEGIAN TYPE; Imerslund-Gräsbeck syndrome 2. Identifiers: MedGen C4016948, MONDO:0100157, OMIM 618882.
Imerslund-Grasbeck syndrome. Also called: ENTEROCYTE COBALAMIN MALABSORPTION; ENTEROCYTE INTRINSIC FACTOR RECEPTOR, DEFECT OF; PERNICIOUS ANEMIA, JUVENILE, DUE TO SELECTIVE INTESTINAL MALABSORPTION OF VITAMIN B12, WITH PROTEINURIA; Imerslund-Gräsbeck syndrome; Megaloblastic anemia due to inborn errors of metabolism. Identifiers: Orphanet 35858, MedGen C4551825, MONDO:0009853.

Allele frequency attached by ClinVar (database versions not stated): TOPMed below 0.00001; ExAC 0.00001; gnomAD 0.00001.

Submissions (2):

Labcorp Genetics (formerly Invitae), Labcorp
Classification: Uncertain significance for Imerslund-Grasbeck syndrome. Last evaluated: 2025-09-15. Review status: criteria provided, single submitter. Criteria: Invitae Variant Classification Sherloc (09022015). Collection method: clinical testing. Allele origin: germline.
Comment: This sequence change replaces tryptophan, which is neutral and slightly polar, with cysteine, which is neutral and slightly polar, at codon 36 of the AMN protein (p.Trp36Cys). This variant is present in population databases (rs199835580, gnomAD 0.01%). This missense change has been observed in individual(s) with clinical features of Imerslund-Gräsbeck syndrome (internal data). ClinVar contains an entry for this variant (Variation ID: 1441367). Invitae Evidence Modeling of protein sequence and biophysical properties (such as structural, functional, and spatial information, amino acid conservation, physicochemical variation, residue mobility, and thermodynamic stability) indicates that this missense variant is expected to disrupt AMN protein function with a positive predictive value of 80%. In summary, the available evidence is currently insufficient to determine the role of this variant in disease. Therefore, it has been classified as a Variant of Uncertain Significance.

Fulgent Genetics
Classification: Uncertain significance for Imerslund-Grasbeck syndrome type 2. Last evaluated: 2022-05-23. Review status: criteria provided, single submitter. Criteria: ACMG Guidelines, 2015. Collection method: clinical testing. Allele origin: unknown.